The following is an entry in ClinVar:

NM_006180.6(NTRK2):c.360C>T (p.Ile120=)

Gene: NTRK2 (neurotrophic receptor tyrosine kinase 2; plus strand). Cytogenetic location: 9q21.33.
Variant type: single nucleotide variant.
Coding change: c.360C>T on transcript NM_006180.6 (MANE Select); coding-DNA position 360, C replaced by T.
Protein change: p.Ile120=; no amino-acid change (isoleucine 120 retained).
Molecular consequence: synonymous variant. On other transcripts: 5 prime UTR variant (5).
Genome position (GRCh38, 1-based): chr9:84,707,844, C>T. VCF-style: chr9-84707844-C-T. GRCh37 (hg19) VCF-style: chr9-87322759-C-T.
Other names: c.360C>T, p.Ile120= (NM_001007097.3, NM_001018064.3, NM_001018065.2 and 19 more transcripts); c.-109C>T (NM_001369535.1, NM_001369536.1, NM_001369550.1 and 2 more transcripts); c.360C>T (NM_006180.3).
Identifiers: ClinVar variation 2778574 (VCV002778574.4), dbSNP rs746147656, ClinGen allele CA5105483.

ClinVar aggregate classification (germline): Conflicting classifications of pathogenicity. Review status: criteria provided, conflicting classifications (1 of 4 stars). 2 submissions from 2 submitters: Uncertain significance (1); Likely benign (1). Last evaluated 2024-11-21.

Conditions:
Inborn genetic diseases. Identifiers: MedGen C0950123, MeSH D030342.

Allele frequency attached by ClinVar (database versions not stated): ExAC 0.00001.
gnomAD v4.1: 8 of 1,610,974 alleles (0.0005%); highest among the groups gnomAD compares: Non-Finnish European, 0.00068%; no homozygotes.

Submissions (2):

Ambry Genetics
Classification: Likely benign for Inborn genetic diseases. Last evaluated: 2024-11-21. Review status: criteria provided, single submitter. Criteria: Ambry Variant Classification Scheme 2023. Collection method: clinical testing. Allele origin: germline.

Labcorp Genetics (formerly Invitae), Labcorp
Classification: Uncertain significance. Last evaluated: 2024-02-18. Review status: criteria provided, single submitter. Criteria: Invitae Variant Classification Sherloc (09022015). Collection method: clinical testing. Allele origin: germline.
Comment: This sequence change affects codon 120 of the NTRK2 mRNA. It is a 'silent' change, meaning that it does not change the encoded amino acid sequence of the NTRK2 protein. It affects a nucleotide within the consensus splice site. This variant is present in population databases (rs746147656, gnomAD 0.0009%). This variant has not been reported in the literature in individuals affected with NTRK2-related conditions. Algorithms developed to predict the effect of sequence changes on RNA splicing suggest that this variant is not likely to affect RNA splicing. In summary, the available evidence is currently insufficient to determine the role of this variant in disease. Therefore, it has been classified as a Variant of Uncertain Significance.